The following is an entry in ClinVar:

ClinVar aggregate classification (germline): Pathogenic/Likely pathogenic. Review status: criteria provided, multiple submitters, no conflicts (2 of 4 stars). 4 submissions from 4 submitters: Pathogenic (1); Likely pathogenic (2). 1 of the submissions does not count toward it. Last evaluated 2025-04-14.

Conditions:
Congenital lactic acidosis, Saguenay-Lac-Saint-Jean type (MC4DN5). Also called: CYTOCHROME c OXIDASE DEFICIENCY, FRENCH CANADIAN TYPE; COX DEFICIENCY, FRENCH CANADIAN TYPE; MITOCHONDRIAL COMPLEX IV DEFICIENCY, NUCLEAR TYPE 5. Identifiers: Orphanet 70472, MedGen C1857355, MONDO:0009069, OMIM 220111.

gnomAD v4.1: 7 of 1,611,258 alleles (0.00043%); highest among the groups gnomAD compares: Non-Finnish European, 0.00059%; no homozygotes.

Submissions (4):

Natera, Inc.
Classification: Likely pathogenic for French-Canadian type Leigh syndrome. Last evaluated: 2025-04-14. Review status: criteria provided, single submitter. Criteria: Natera Variant Classification Schema (03/2026). Collection method: clinical testing. Allele origin: germline.
Comment: The c.1589C>A variant in LRPPRC is a nonsense variant predicted to introduce a stop codon at amino acid 530. This variant is expected to result in nonsense mediated decay, truncation, or a dysfunctional protein product. This variant is rare in the general population with a frequency below the threshold expected for the associated phenotype(s). Given the available evidence, this variant is classified as Likely Pathogenic.

Baylor Genetics
Classification: Likely pathogenic for Congenital lactic acidosis, Saguenay-Lac-Saint-Jean type. Last evaluated: 2023-12-02. Review status: criteria provided, single submitter. Criteria: ACMG Guidelines, 2015. Collection method: clinical testing. Allele origin: unknown.

Labcorp Genetics (formerly Invitae), Labcorp
Classification: Pathogenic. Last evaluated: 2023-03-03. Review status: criteria provided, single submitter. Criteria: Invitae Variant Classification Sherloc (09022015). Collection method: clinical testing. Allele origin: germline.
Comment: This sequence change creates a premature translational stop signal (p.Ser530*) in the LRPPRC gene. It is expected to result in an absent or disrupted protein product. Loss-of-function variants in LRPPRC are known to be pathogenic (PMID: 26510951). This variant is present in population databases (rs775735922, gnomAD 0.0009%). This variant has not been reported in the literature in individuals affected with LRPPRC-related conditions. ClinVar contains an entry for this variant (Variation ID: 550645). For these reasons, this variant has been classified as Pathogenic.

Counsyl
Classification: Likely pathogenic for Congenital lactic acidosis, Saguenay-Lac-Saint-Jean type. Last evaluated: 2017-02-14. Review status: no assertion criteria provided. Collection method: clinical testing. Allele origin: unknown. Not counted in ClinVar's aggregate classification.

Literature cited by the submitters: PubMed 26510951 (cited by Labcorp Genetics (formerly Invitae), Labcorp).

NM_133259.4(LRPPRC):c.1589C>A (p.Ser530Ter)

Genes: LRPPRC (leucine rich pentatricopeptide repeat containing; minus strand), LOC129388857 (MPRA-validated peak3685 silencer; plus strand). Cytogenetic location: 2p21.
Variant type: single nucleotide variant.
Coding change: c.1589C>A on transcript NM_133259.4 (MANE Select); coding-DNA position 1589, C replaced by A.
Protein change: p.Ser530Ter; replaces serine 530 with a stop codon.
Molecular consequence: nonsense.
Genome position (GRCh38, 1-based): chr2:43,957,445, G>T on the plus strand (C>A on the coding strand, the complement: LRPPRC is on the minus strand). VCF-style: chr2-43957445-G-T. GRCh37 (hg19) VCF-style: chr2-44184584-G-T.
Other names: short protein forms S530*.
Identifiers: ClinVar variation 550645 (VCV000550645.11), dbSNP rs775735922, ClinGen allele CA1638883.